The following is an entry in ClinVar:

NM_001369268.1(ACAN):c.1294del (p.Val432fs)

Gene: ACAN (aggrecan; plus strand). Cytogenetic location: 15q26.1.
Variant type: Deletion.
Coding change: c.1294del on transcript NM_001369268.1 (MANE Select); coding-DNA position 1294, one base deleted (G; older notation c.1294delG).
Protein change: p.Val432fs; shifts the reading frame from valine 432.
Molecular consequence: frameshift variant.
Genome position (GRCh38, 1-based): chr15:88,845,747, G deleted; the last of 2 consecutive G bases (chr15:88,845,746-88,845,747); deleting either gives the same sequence. VCF-style (leftmost placement, unchanged base first): chr15-88845745-AG-A. GRCh37 (hg19) VCF-style: chr15-89388976-AG-A.
Other names: c.1294del, p.Val432fs (NM_001135.4, NM_001411096.1, NM_001411097.1 and 1 more transcripts); short protein forms V432fs.
Identifiers: ClinVar variation 4721569 (VCV004721569.1).

ClinVar aggregate classification (germline): Pathogenic (1 of 4 stars; one submission).

Submission:

Labcorp Genetics (formerly Invitae), Labcorp
Classification: Pathogenic. Last evaluated: 2025-06-17. Review status: criteria provided, single submitter. Criteria: Invitae Variant Classification Sherloc (09022015). Collection method: clinical testing. Allele origin: germline.
Comment: This sequence change creates a premature translational stop signal (p.Val432Leufs*34) in the ACAN gene. It is expected to result in an absent or disrupted protein product. Loss-of-function variants in ACAN are known to be pathogenic (PMID: 16080123, 24762113). This variant is not present in population databases (gnomAD no frequency). This variant has not been reported in the literature in individuals affected with ACAN-related conditions. For these reasons, this variant has been classified as Pathogenic.

Literature cited by the submitters: PubMed 16080123; PubMed 24762113.